The following is an entry in ClinVar:

NM_018139.3(DNAAF2):c.697G>A (p.Ala233Thr)

Gene: DNAAF2 (dynein axonemal assembly factor 2; minus strand). Cytogenetic location: 14q21.3.
Variant type: single nucleotide variant.
Coding change: c.697G>A on transcript NM_018139.3 (MANE Select); coding-DNA position 697, G replaced by A.
Protein change: p.Ala233Thr; replaces alanine 233 with threonine.
Molecular consequence: missense variant.
Genome position (GRCh38, 1-based): chr14:49,634,453, C>T on the plus strand (G>A on the coding strand, the complement: DNAAF2 is on the minus strand). VCF-style: chr14-49634453-C-T. GRCh37 (hg19) VCF-style: chr14-50101171-C-T.
Other names: c.697G>A, p.Ala233Thr (NM_001083908.2); short protein forms A233T.
Identifiers: ClinVar variation 228605 (VCV000228605.8), dbSNP rs761407249, ClinGen allele CA7173050.
Genomic context (GRCh38, chr14:49,634,453, plus strand): 5'-GCTCGGTGGGGGCGGGCTGCAAGGCCGCTTCCGGAGGGGAGGGCGCCCGGGGCCCGGGGG[C>T]TGCCGGGTACTGGTAAGGGTAGGGGAAGTCCGGGAGAGGACCCTTCGGCTCCCCGTCAGG-3'
Protein context (NP_060609.2, residues 223-243): DFPYPYQYPA[Ala233Thr]PGPRAPSPPE

ClinVar aggregate classification (germline): Conflicting classifications of pathogenicity. Review status: criteria provided, conflicting classifications (1 of 4 stars). 3 submissions from 3 submitters: Uncertain significance (2); Likely benign (1). Last evaluated 2021-07-15.

Conditions:
Primary ciliary dyskinesia. Also called: Ciliary dyskinesia. Identifiers: Orphanet 244, MedGen C0008780, MONDO:0016575, HP:0012265.

Allele frequency attached by ClinVar (database versions not stated): gnomAD 0.00001; ExAC 0.00002; gnomAD exomes 0.00002; TOPMed 0.00002.
gnomAD v4.1: 33 of 1,557,856 alleles (0.0021%); highest among the groups gnomAD compares: Non-Finnish European, 0.0025%; no homozygotes.

Submissions (3):

Ambry Genetics
Classification: Likely benign for Primary ciliary dyskinesia. Last evaluated: 2021-07-15. Review status: criteria provided, single submitter. Criteria: Ambry Variant Classification Scheme 2023. Collection method: clinical testing. Allele origin: germline.

Labcorp Genetics (formerly Invitae), Labcorp
Classification: Uncertain significance for Primary ciliary dyskinesia. Last evaluated: 2019-11-28. Review status: criteria provided, single submitter. Criteria: Invitae Variant Classification Sherloc (09022015). Collection method: clinical testing. Allele origin: germline.
Comment: This sequence change replaces alanine with threonine at codon 233 of the DNAAF2 protein (p.Ala233Thr). The alanine residue is weakly conserved and there is a small physicochemical difference between alanine and threonine. This variant is present in population databases (rs761407249, ExAC 0.004%). This variant has not been reported in the literature in individuals with DNAAF2-related conditions. ClinVar contains an entry for this variant (Variation ID: 228605). Algorithms developed to predict the effect of missense changes on protein structure and function output the following: SIFT: "Tolerated"; PolyPhen-2: "Benign"; Align-GVGD: "Class C0". The threonine amino acid residue is found in multiple mammalian species, suggesting that this missense change does not adversely affect protein function. These predictions have not been confirmed by published functional studies and their clinical significance is uncertain. In summary, the available evidence is currently insufficient to determine the role of this variant in disease. Therefore, it has been classified as a Variant of Uncertain Significance.

Laboratory for Molecular Medicine, Mass General Brigham Personalized Medicine
Classification: Uncertain significance. Last evaluated: 2015-09-03. Review status: criteria provided, single submitter. Criteria: LMM Criteria. Collection method: clinical testing. Allele origin: germline. Observed: 2 variant alleles.
Comment: The p.Ala233Thr variant in DNAAF2 has not been previously reported in individual s with respiratory disease, but has been identified in 1/24020 European chromoso mes by the Exome Aggregation Consortium (ExAC; d bSNP rs761407249). Computational prediction tools and conservation analysis sugg est that the p.Ala233Thr variant may not impact the protein, though this informa tion is not predictive enough to rule out pathogenicity. In summary, the clinica l significance of the p.Ala233Thr variant is uncertain.